The following is an entry in ClinVar:

ClinVar aggregate classification (germline): Pathogenic (1 of 4 stars; one submission).

Conditions:
Hereditary cancer-predisposing syndrome. Also called: Tumor predisposition; Neoplastic Syndromes, Hereditary; Hereditary Cancer Syndrome; Hereditary neoplastic syndrome. Identifiers: Orphanet 140162, MedGen C0027672, MeSH D009386, MONDO:0015356.

Submission:

Ambry Genetics
Classification: Pathogenic for Hereditary cancer-predisposing syndrome. Last evaluated: 2024-08-06. Review status: criteria provided, single submitter. Criteria: Ambry Variant Classification Scheme 2023. Collection method: clinical testing. Allele origin: germline.
Comment: The p.S3250* pathogenic mutation (also known as c.9749C>A), located in coding exon 26 of the BRCA2 gene, results from a C to A substitution at nucleotide position 9749. This changes the amino acid from a serine to a stop codon within coding exon 26. This alteration occurs at the 3' terminus of theBRCA2 gene, is not expected to trigger nonsense-mediated mRNA decay, and only impacts the last 5% of the protein. However, premature stop codons are typically deleterious in nature and the impacted region is critical for protein function (Ambry internal data). This variant is considered to be rare based on population cohorts in the Genome Aggregation Database (gnomAD). Based on the supporting evidence, this variant is interpreted as a disease-causing mutation.

NM_000059.4(BRCA2):c.9749C>A (p.Ser3250Ter)

Gene: BRCA2 (BRCA2 DNA repair associated; plus strand). Cytogenetic location: 13q13.1.
Variant type: single nucleotide variant.
Coding change: c.9749C>A on transcript NM_000059.4 (MANE Select); coding-DNA position 9749, C replaced by A.
Protein change: p.Ser3250Ter; replaces serine 3250 with a stop codon.
Molecular consequence: nonsense. On other transcripts: non-coding transcript variant (1).
Genome position (GRCh38, 1-based): chr13:32,398,262, C>A. VCF-style: chr13-32398262-C-A. GRCh37 (hg19) VCF-style: chr13-32972399-C-A.
Other names: c.9653C>A, p.Ser3218Ter (NM_001406719.1); c.9698C>A, p.Ser3233Ter (NM_001406720.1); c.4817C>A, p.Ser1606Ter (NM_001406721.1); c.3332C>A, p.Ser1111Ter (NM_001406722.1); c.9749C>A, p.Ser3250Ter (NM_001432077.1); short protein forms S1111*, S3218*, S1606*, S3233*, S3250*.
Identifiers: ClinVar variation 3482036 (VCV003482036.1).